The following is an entry in ClinVar:

ClinVar aggregate classification (germline): Uncertain significance (1 of 4 stars; one submission).

gnomAD v4.1: 1 of 1,614,098 alleles (0.000062%); highest among the groups gnomAD compares: Non-Finnish European, 0.000085%; no homozygotes.

Submission:

GeneDx
Classification: Uncertain significance. Last evaluated: 2025-07-30. Review status: criteria provided, single submitter. Criteria: GeneDx Variant Classification Process June 2021. Collection method: clinical testing. Allele origin: germline. Affected: yes.
Comment: Not observed at significant frequency in large population cohorts (gnomAD); In silico analysis supports that this missense variant has a deleterious effect on protein structure/function; Has not been previously published as pathogenic or benign to our knowledge

NM_001458.5(FLNC):c.7097A>G (p.Asp2366Gly)

Genes: FLNC (filamin C; plus strand), FLNC-AS1 (FLNC antisense RNA 1; minus strand). Cytogenetic location: 7q32.1.
Variant type: single nucleotide variant.
Coding change: c.7097A>G on transcript NM_001458.5 (MANE Select); coding-DNA position 7097, A replaced by G.
Protein change: p.Asp2366Gly; replaces aspartic acid 2366 with glycine.
Molecular consequence: missense variant.
Genome position (GRCh38, 1-based): chr7:128,854,874, A>G. VCF-style: chr7-128854874-A-G. GRCh37 (hg19) VCF-style: chr7-128494928-A-G.
Other names: c.6998A>G, p.Asp2333Gly (NM_001127487.2); short protein forms D2333G, D2366G.
Identifiers: ClinVar variation 4689996 (VCV004689996.1).